The following is an entry in ClinVar:

NM_030962.4(SBF2):c.4712A>T (p.Asn1571Ile)

Genes: SBF2 (SET binding factor 2; minus strand), SBF2-AS1 (SBF2 antisense RNA 1; plus strand), LOC105369149 (uncharacterized LOC105369149; plus strand). Cytogenetic location: 11p15.4.
Variant type: single nucleotide variant.
Coding change: c.4712A>T on transcript NM_030962.4 (MANE Select); coding-DNA position 4712, A replaced by T.
Protein change: p.Asn1571Ile; replaces asparagine 1571 with isoleucine.
Molecular consequence: missense variant.
Genome position (GRCh38, 1-based): chr11:9,789,329, T>A on the plus strand (A>T on the coding strand, the complement: SBF2 is on the minus strand). VCF-style: chr11-9789329-T-A. GRCh37 (hg19) VCF-style: chr11-9810876-T-A.
Other names: c.4808A>T, p.Asn1603Ile (NM_001386339.1); c.4583A>T, p.Asn1528Ile (NM_001386342.1); short protein forms N1571I, N1528I, N1603I.
Identifiers: ClinVar variation 855413 (VCV000855413.11), dbSNP rs371960255, ClinGen allele CA379634502.

ClinVar aggregate classification (germline): Uncertain significance. Review status: criteria provided, multiple submitters, no conflicts (2 of 4 stars). 2 submissions from 2 submitters: Uncertain significance (2). Last evaluated 2024-05-10.

Conditions:
Inborn genetic diseases. Identifiers: MedGen C0950123, MeSH D030342.
Charcot-Marie-Tooth disease type 4. Also called: Charcot-Marie-Tooth disease, type IV; Charcot-Marie-Tooth, Type 4. Identifiers: Orphanet 64749, MedGen C4082197, MONDO:0018995.

gnomAD v4.1: 1 of 1,613,724 alleles (0.000062%); highest among the groups gnomAD compares: Non-Finnish European, 0.000085%; no homozygotes.

Submissions (2):

Ambry Genetics
Classification: Uncertain significance for Inborn genetic diseases. Last evaluated: 2024-05-10. Review status: criteria provided, single submitter. Criteria: Ambry Variant Classification Scheme 2023. Collection method: clinical testing. Allele origin: germline.

Labcorp Genetics (formerly Invitae), Labcorp
Classification: Uncertain significance for Charcot-Marie-Tooth disease type 4. Last evaluated: 2022-09-13. Review status: criteria provided, single submitter. Criteria: Invitae Variant Classification Sherloc (09022015). Collection method: clinical testing. Allele origin: germline.
Comment: This sequence change replaces asparagine, which is neutral and polar, with isoleucine, which is neutral and non-polar, at codon 1571 of the SBF2 protein (p.Asn1571Ile). This variant is not present in population databases (gnomAD no frequency). This variant has not been reported in the literature in individuals affected with SBF2-related conditions. ClinVar contains an entry for this variant (Variation ID: 855413). Advanced modeling of protein sequence and biophysical properties (such as structural, functional, and spatial information, amino acid conservation, physicochemical variation, residue mobility, and thermodynamic stability) performed at Invitae indicates that this missense variant is not expected to disrupt SBF2 protein function. In summary, the available evidence is currently insufficient to determine the role of this variant in disease. Therefore, it has been classified as a Variant of Uncertain Significance.